The following is an entry in ClinVar:

NM_022089.4(ATP13A2):c.-170C>T

Genes: ATP13A2 (ATPase cation transporting 13A2; minus strand), LOC129929540 (ATAC-STARR-seq lymphoblastoid silent region 339; plus strand). Cytogenetic location: 1p36.13.
Variant type: single nucleotide variant.
Coding change: c.-170C>T on transcript NM_022089.4 (MANE Select); 170 bases upstream of the start codon, C replaced by T.
Molecular consequence: 5 prime UTR variant.
Genome position (GRCh38, 1-based): chr1:17,011,908, G>A on the plus strand (C>T on the coding strand, the complement: ATP13A2 is on the minus strand). VCF-style: chr1-17011908-G-A. GRCh37 (hg19) VCF-style: chr1-17338403-G-A.
Other names: c.-170C>T (NM_001141973.3, NM_001141974.3).
Identifiers: ClinVar variation 293806 (VCV000293806.6), dbSNP rs150122517, ClinGen allele CA10608743.

ClinVar aggregate classification (germline): Likely benign. Review status: criteria provided, multiple submitters, no conflicts (2 of 4 stars). 2 submissions from 2 submitters: Likely benign (2). Last evaluated 2018-01-13.

Conditions:
Kufor-Rakeb syndrome (KRS). Also called: PARKINSON DISEASE 9, AUTOSOMAL RECESSIVE, JUVENILE-ONSET. Identifiers: Orphanet 306674, Orphanet 314632, MedGen C1847640, MONDO:0011706, OMIM 606693.

Allele frequency attached by ClinVar (database versions not stated): gnomAD exomes 0.00115; gnomAD 0.00116 and 0.00145; TOPMed 0.00131; 1000 Genomes Project 0.00339; 1000 Genomes Project 30x 0.00344.
gnomAD v4.1: 607 of 469,726 alleles (0.13%); highest among the groups gnomAD compares: Middle Eastern, 1.2%; 4 homozygotes.

Submissions (2):

Illumina Laboratory Services, Illumina
Classification: Likely benign for Kufor-Rakeb syndrome. Last evaluated: 2018-01-13. Review status: criteria provided, single submitter. Criteria: ICSL Variant Classification Criteria 13 December 2019. Collection method: clinical testing. Allele origin: germline.
Comment: This variant was observed in the ICSL laboratory as part of a predisposition screen in an ostensibly healthy population. It had not been previously curated by ICSL or reported in the Human Gene Mutation Database (HGMD: prior to June 1st, 2018), and was therefore a candidate for classification through an automated scoring system. Utilizing variant allele frequency, disease prevalence and penetrance estimates, and inheritance mode, an automated score was calculated to assess if this variant is too frequent to cause the disease. Based on the score and internal cut-off values, a variant classified as likely benign is not then subjected to further curation. The score for this variant resulted in a classification of likely benign for this disease.

Breakthrough Genomics
Classification: Likely benign. Review status: criteria provided, single submitter. Criteria: ACMG Guidelines, 2015. Collection method: not provided. Allele origin: germline. Inheritance: Autosomal recessive inheritance. Affected: yes.